The following is an entry in ClinVar:

ClinVar aggregate classification (germline): Likely pathogenic (1 of 4 stars; one submission).

gnomAD v4.1: 1 of 1,602,108 alleles (0.000062%); highest among the groups gnomAD compares: Non-Finnish European, 0.000085%; no homozygotes.

Submission:

Dasa
Classification: Likely pathogenic. Last evaluated: 2024-10-04. Review status: criteria provided, single submitter. Criteria: DASA Assertion Criteria. Collection method: clinical testing. Allele origin: germline.
Comment: NM_001377.3(DYNC2H1):c.10437C>G (p.Tyr3479*) is a nonsense variant in DYNC2H1 predicted to introduce a premature termination codon and is predicted to result in an absent or altered protein product. Loss of function is an established disease mechanism for DYNC2H1-associated disorders. Also, this variant is rare in population databases. Based on the currently available evidence, this variant is classified as likely pathogenic.

NM_001377.3(DYNC2H1):c.10437C>G (p.Tyr3479Ter)

Gene: DYNC2H1 (dynein cytoplasmic 2 heavy chain 1; plus strand). Cytogenetic location: 11q22.3.
Variant type: single nucleotide variant.
Coding change: c.10437C>G on transcript NM_001377.3 (MANE Select); coding-DNA position 10437, C replaced by G.
Protein change: p.Tyr3479Ter; replaces tyrosine 3479 with a stop codon.
Molecular consequence: nonsense.
Genome position (GRCh38, 1-based): chr11:103,256,216, C>G. VCF-style: chr11-103256216-C-G. GRCh37 (hg19) VCF-style: chr11-103126945-C-G.
Other names: c.10458C>G, p.Tyr3486Ter (NM_001080463.2); short protein forms Y3479*, Y3486*.
Identifiers: ClinVar variation 4885911 (VCV004885911.2).